The following is an entry in ClinVar:

NM_000091.5(COL4A3):c.3032G>A (p.Arg1011His)

Genes: COL4A3 (collagen type IV alpha 3 chain; plus strand), MFF-DT (MFF divergent transcript; minus strand). Cytogenetic location: 2q36.3.
Variant type: single nucleotide variant.
Coding change: c.3032G>A on transcript NM_000091.5 (MANE Select); coding-DNA position 3032, G replaced by A.
Protein change: p.Arg1011His; replaces arginine 1011 with histidine.
Molecular consequence: missense variant.
Genome position (GRCh38, 1-based): chr2:227,290,050, G>A. VCF-style: chr2-227290050-G-A. GRCh37 (hg19) VCF-style: chr2-228154766-G-A.
Other names: short protein forms R1011H.
Identifiers: ClinVar variation 894888 (VCV000894888.12), dbSNP rs772164474, ClinGen allele CA2147084.

ClinVar aggregate classification (germline): Uncertain significance. Review status: criteria provided, multiple submitters, no conflicts (2 of 4 stars). 7 submissions from 7 submitters: Uncertain significance (7). Last evaluated 2026-08-10.

Conditions:
Autosomal dominant Alport syndrome (ATS3A). Also called: Alport syndrome dominant type; Renal failure and sensorineural hearing loss; ALPORT SYNDROME 3A, AUTOSOMAL DOMINANT. Identifiers: Orphanet 63, Orphanet 88918, MedGen C5882663, MONDO:0007086, OMIM 104200.
Hematuria, benign familial, 2 (BFH2). Identifiers: MedGen C5830421, MONDO:0958186, OMIM 620320.
Alport syndrome 3b, autosomal recessive. Identifiers: MedGen C5882699, MONDO:0957811, OMIM 620536.
Alport syndrome. Also called: Hemorrhagic familial nephritis; Hemorrhagic hereditary nephritis; Congenital hereditary hematuria. Identifiers: Orphanet 63, MedGen C1567741, MONDO:0018965.
COL4A3-related disorder. Also called: COL4A3-related condition; COL4A3-Related Disorders.

Allele frequency attached by ClinVar (database versions not stated): TOPMed 0.00003; ExAC 0.00001; gnomAD 0.00003 and 0.00004; gnomAD exomes 0.00002.
gnomAD v4.1: 29 of 1,614,072 alleles (0.0018%); highest among the groups gnomAD compares: Admixed American, 0.0067%; no homozygotes.

Submissions (7):

PreventionGenetics, part of Exact Sciences
Classification: Uncertain significance for COL4A3-related condition. Last evaluated: 2026-08-10. Review status: criteria provided, single submitter. Criteria: ACMG Guidelines, 2015. Collection method: clinical testing. Allele origin: germline.
Comment: The COL4A3 c.3032G>A variant is predicted to result in the amino acid substitution p.Arg1011His. To our knowledge, this variant has not been reported in the literature. This variant is reported in 0.0065% of alleles in individuals of South Asian descent in gnomAD. At this time, the clinical significance of this variant is uncertain due to the absence of conclusive functional and genetic evidence.

OLLIN Analises Genomicas, OLLIN
Classification: Uncertain significance for Hematuria, benign familial, 2. Last evaluated: 2026-08-06. Review status: criteria provided, single submitter. Criteria: ACMG Guidelines 2015 PMID 25741868. Collection method: clinical testing. Allele origin: germline. Inheritance: Autosomal dominant inheritance.
Comment: This missense variant, located in exon 36 (of 52), has been reported in ClinVar (accession VCV000894888.11) and in gnomAD with an allele frequency of 0.0018%. However, to our knowledge, it has not been reported in the scientific literature. In silico analysis predicts that this variant has a tolerated effect. According to the currently available evidence, this variant has been classified as uncertain significance (BP4).

Labcorp Genetics (formerly Invitae), Labcorp
Classification: Uncertain significance. Last evaluated: 2025-01-21. Review status: criteria provided, single submitter. Criteria: Invitae Variant Classification Sherloc (09022015). Collection method: clinical testing. Allele origin: germline.
Comment: This sequence change replaces arginine, which is basic and polar, with histidine, which is basic and polar, at codon 1011 of the COL4A3 protein (p.Arg1011His). This variant is present in population databases (rs772164474, gnomAD 0.006%). This variant has not been reported in the literature in individuals affected with COL4A3-related conditions. ClinVar contains an entry for this variant (Variation ID: 894888). Invitae Evidence Modeling of protein sequence and biophysical properties (such as structural, functional, and spatial information, amino acid conservation, physicochemical variation, residue mobility, and thermodynamic stability) indicates that this missense variant is not expected to disrupt COL4A3 protein function with a negative predictive value of 95%. In summary, the available evidence is currently insufficient to determine the role of this variant in disease. Therefore, it has been classified as a Variant of Uncertain Significance.

Fulgent Genetics
Classification: Uncertain significance for Autosomal dominant Alport syndrome; Hematuria, benign familial, 2; Alport syndrome 3b, autosomal recessive. Last evaluated: 2024-01-06. Review status: criteria provided, single submitter. Criteria: ACMG Guidelines, 2015. Collection method: clinical testing. Allele origin: germline.

GeneDx
Classification: Uncertain significance. Last evaluated: 2022-06-07. Review status: criteria provided, single submitter. Criteria: GeneDx Variant Classification Process June 2021. Collection method: clinical testing. Allele origin: germline. Affected: yes.
Comment: In silico analysis supports that this missense variant does not alter protein structure/function; Occurs in the triple helical domain at the Y position in the canonical Gly-X-Y repeat; although this variant may have an effect on normal protein folding and function, missense substitution at the Y position is not a common mechanism of disease; Has not been previously published as pathogenic or benign to our knowledge

Illumina Laboratory Services, Illumina
Classification: Uncertain significance for Alport syndrome. Last evaluated: 2018-01-13. Review status: criteria provided, single submitter. Criteria: ICSL Variant Classification Criteria 13 December 2019. Collection method: clinical testing. Allele origin: germline.

Breakthrough Genomics
Classification: Uncertain significance. Review status: criteria provided, single submitter. Criteria: ACMG Guidelines, 2015. Collection method: not provided. Allele origin: germline. Inheritance: Autosomal recessive inheritance. Affected: yes.